The following is an entry in ClinVar:

ClinVar aggregate classification (germline): Benign/Likely benign. Review status: criteria provided, multiple submitters, no conflicts (2 of 4 stars). 8 submissions from 8 submitters: Benign (5); Likely benign (1). 2 of the submissions do not count toward it. Last evaluated 2026-02-04.

Allele frequency attached by ClinVar (database versions not stated): 1000 Genomes Project 30x 0.55169; 1000 Genomes Project 0.55391; gnomAD 0.60162 and 0.60275; ESP Exome Variant Server 0.60841; gnomAD exomes 0.59293; TOPMed 0.59358; ExAC 0.59361.
gnomAD v4.1: 998,605 of 1,612,364 alleles (62%); highest among the groups gnomAD compares: Non-Finnish European, 64%; 311,169 homozygotes.

Submissions (8):

Labcorp Genetics (formerly Invitae), Labcorp
Classification: Benign. Last evaluated: 2026-02-04. Review status: criteria provided, single submitter. Criteria: Invitae Variant Classification Sherloc (09022015). Collection method: clinical testing. Allele origin: germline.

Women's Health and Genetics/Laboratory Corporation of America, LabCorp
Classification: Benign. Last evaluated: 2026-01-21. Review status: criteria provided, single submitter. Criteria: LabCorp Variant Classification Summary - May 2015. Collection method: clinical testing. Allele origin: germline.

Blueprint Genetics
Classification: Likely benign. Last evaluated: 2024-11-26. Review status: criteria provided, single submitter. Criteria: ACMG Guidelines, 2015. Collection method: clinical testing. Allele origin: germline.

Mayo Clinic Laboratories, Mayo Clinic
Classification: Benign. Last evaluated: 2022-09-06. Review status: criteria provided, single submitter. Criteria: ACMG Guidelines, 2015. Collection method: clinical testing. Allele origin: germline. Observed: 9 variant alleles.

Laboratory for Molecular Medicine, Mass General Brigham Personalized Medicine
Classification: Benign. Last evaluated: 2016-03-28. Review status: criteria provided, single submitter. Criteria: LMM Criteria. Collection method: clinical testing. Allele origin: germline.
Comment: Variant identified in a genome or exome case(s) and assessed due to predicted null impact of the variant or pathogenic assertions in the literature or databases. Disclaimer: This variant has not undergone full assessment. The following are preliminary notes: Frequency

Breakthrough Genomics
Classification: Benign. Review status: criteria provided, single submitter. Criteria: ACMG Guidelines, 2015. Collection method: not provided. Allele origin: germline. Inheritance: Autosomal recessive inheritance. Affected: yes.

Diagnostic Laboratory, Department of Genetics, University Medical Center Groningen
Classification: Benign. Review status: no assertion criteria provided. Collection method: clinical testing. Allele origin: germline. Affected: yes. Study: VKGL Data-share Consensus. Not counted in ClinVar's aggregate classification.

Joint Genome Diagnostic Labs from Nijmegen and Maastricht, Radboudumc and MUMC+
Classification: Benign. Review status: no assertion criteria provided. Collection method: clinical testing. Allele origin: germline. Affected: yes. Study: VKGL Data-share Consensus. Not counted in ClinVar's aggregate classification.

NM_000065.5(C6):c.356C>A (p.Ala119Glu)

Gene: C6 (complement C6; minus strand). Cytogenetic location: 5p13.1.
Variant type: single nucleotide variant.
Coding change: c.356C>A on transcript NM_000065.5 (MANE Select); coding-DNA position 356, C replaced by A.
Protein change: p.Ala119Glu; replaces alanine 119 with glutamic acid.
Molecular consequence: missense variant.
Genome position (GRCh38, 1-based): chr5:41,199,857, G>T on the plus strand (C>A on the coding strand, the complement: C6 is on the minus strand). VCF-style: chr5-41199857-G-T. GRCh37 (hg19) VCF-style: chr5-41199959-G-T.
Other names: C6 phenotype A; c.356C>A (NM_000065.4); c.356C>A, p.Ala119Glu (NM_001115131.4); short protein forms A119E.
Identifiers: ClinVar variation 402458 (VCV000402458.22), dbSNP rs1801033, ClinGen allele CA3252822.
Genomic context (GRCh38, chr5:41,199,857, plus strand): 5'-TCAGCCTCTTCAATTTTGCAGAGCTTAGATGGAATGCATGGTTGAAAGGCTACCAGAGGC[G>T]CAGTGCATGGCTGTCCCCCAAACTGACTGGGACGCAAGACAGATCTAACTTTAGACTGAA-3'
Protein context (NP_000056.2, residues 109-129): PSQFGGQPCT[Ala119Glu]PLVAFQPCIP